The following is an entry in ClinVar:

ClinVar aggregate classification (germline): Uncertain significance (1 of 4 stars; one submission).

Submission:

Labcorp Genetics (formerly Invitae), Labcorp
Classification: Uncertain significance. Last evaluated: 2022-09-14. Review status: criteria provided, single submitter. Criteria: Invitae Variant Classification Sherloc (09022015). Collection method: clinical testing. Allele origin: germline.
Comment: This variant results in the deletion of part of exon 14 (c.2194_*65827del) of the CSF2RB gene. While this deletion is not anticipated to lead to nonsense mediated decay, it is expected to alter mRNA translation or result in a truncated protein product. This variant has not been reported in the literature in individuals affected with CSF2RB-related conditions. In summary, the available evidence is currently insufficient to determine the role of this variant in disease. Therefore, it has been classified as a Variant of Uncertain Significance. Experimental studies and prediction algorithms are not available or were not evaluated, and the functional significance of this variant is currently unknown.

NC_000022.10:g.(?_37334044)_(37400371_?)del

Genes: CIMIP4 (ciliary microtubule inner protein 4; minus strand), CSF2RB (colony stimulating factor 2 receptor subunit beta; plus strand). Cytogenetic location: 22q12.3.
Variant type: Deletion.
Identifiers: ClinVar variation 2423021 (VCV002423021.4).